The following is an entry in ClinVar:

ClinVar aggregate classification (germline): Uncertain significance (1 of 4 stars; one submission).

Conditions:
Hereditary cancer-predisposing syndrome. Also called: Neoplastic Syndromes, Hereditary; Tumor predisposition; Hereditary Cancer Syndrome; Hereditary neoplastic syndrome. Identifiers: Orphanet 140162, MedGen C0027672, MeSH D009386, MONDO:0015356.

Submission:

Labcorp Genetics (formerly Invitae), Labcorp
Classification: Uncertain significance for Hereditary cancer-predisposing syndrome. Last evaluated: 2023-07-25. Review status: criteria provided, single submitter. Criteria: Invitae Variant Classification Sherloc (09022015). Collection method: clinical testing. Allele origin: germline.
Comment: This variant has not been reported in the literature in individuals affected with RAD50-related conditions. Advanced modeling of protein sequence and biophysical properties (such as structural, functional, and spatial information, amino acid conservation, physicochemical variation, residue mobility, and thermodynamic stability) performed at Invitae indicates that this missense variant is expected to disrupt RAD50 protein function. In summary, the available evidence is currently insufficient to determine the role of this variant in disease. Therefore, it has been classified as a Variant of Uncertain Significance. This sequence change replaces cysteine, which is neutral and slightly polar, with arginine, which is basic and polar, at codon 1225 of the RAD50 protein (p.Cys1225Arg). This variant is not present in population databases (gnomAD no frequency).

NM_005732.4(RAD50):c.3673T>C (p.Cys1225Arg)

Genes: RAD50 (RAD50 double strand break repair protein; plus strand), TH2-LCR (Th2 cytokine locus control region; plus strand), TH2LCRR (T helper type 2 locus control region associated RNA; minus strand). Cytogenetic location: 5q31.1.
Variant type: single nucleotide variant.
Coding change: c.3673T>C on transcript NM_005732.4 (MANE Select); coding-DNA position 3673, T replaced by C.
Protein change: p.Cys1225Arg; replaces cysteine 1225 with arginine.
Molecular consequence: missense variant.
Genome position (GRCh38, 1-based): chr5:132,640,726, T>C. VCF-style: chr5-132640726-T-C. GRCh37 (hg19) VCF-style: chr5-131976418-T-C.
Other names: short protein forms C1225R.
Identifiers: ClinVar variation 2914480 (VCV002914480.3), dbSNP rs2149865658, ClinGen allele CA360934139.